The following is an entry in ClinVar:

ClinVar aggregate classification (germline): Uncertain significance (1 of 4 stars; one submission).

Allele frequency attached by ClinVar (database versions not stated): gnomAD exomes below 0.00001.
gnomAD v4.1: 3 of 1,612,448 alleles (0.00019%); highest among the groups gnomAD compares: Middle Eastern, 0.017%; no homozygotes.

Submission:

Labcorp Genetics (formerly Invitae), Labcorp
Classification: Uncertain significance. Last evaluated: 2022-09-27. Review status: criteria provided, single submitter. Criteria: Invitae Variant Classification Sherloc (09022015). Collection method: clinical testing. Allele origin: germline.
Comment: The frequency data for this variant in the population databases is considered unreliable, as metrics indicate poor data quality at this position in the gnomAD database. This variant has not been reported in the literature in individuals affected with SLC7A14-related conditions. ClinVar contains an entry for this variant (Variation ID: 1450857). Algorithms developed to predict the effect of missense changes on protein structure and function (SIFT, PolyPhen-2, Align-GVGD) all suggest that this variant is likely to be tolerated. In summary, the available evidence is currently insufficient to determine the role of this variant in disease. Therefore, it has been classified as a Variant of Uncertain Significance. This sequence change replaces serine, which is neutral and polar, with asparagine, which is neutral and polar, at codon 2 of the SLC7A14 protein (p.Ser2Asn).

NM_020949.3(SLC7A14):c.5G>A (p.Ser2Asn)

Genes: SLC7A14 (solute carrier family 7 member 14; minus strand), SLC7A14-AS1 (SLC7A14 antisense RNA 1; plus strand). Cytogenetic location: 3q26.2.
Variant type: single nucleotide variant.
Coding change: c.5G>A on transcript NM_020949.3 (MANE Select); coding-DNA position 5, G replaced by A.
Protein change: p.Ser2Asn; replaces serine 2 with asparagine.
Molecular consequence: missense variant.
Genome position (GRCh38, 1-based): chr3:170,526,932, C>T on the plus strand (G>A on the coding strand, the complement: SLC7A14 is on the minus strand). VCF-style: chr3-170526932-C-T. GRCh37 (hg19) VCF-style: chr3-170244721-C-T.
Other names: short protein forms S2N.
Identifiers: ClinVar variation 1450857 (VCV001450857.8), dbSNP rs763378150, ClinGen allele CA2702027.